The following is an entry in ClinVar:

NM_014141.6(CNTNAP2):c.185A>G (p.Tyr62Cys)

Gene: CNTNAP2 (contactin associated protein 2; plus strand). Cytogenetic location: 7q35.
Variant type: single nucleotide variant.
Coding change: c.185A>G on transcript NM_014141.6 (MANE Select); coding-DNA position 185, A replaced by G.
Protein change: p.Tyr62Cys; replaces tyrosine 62 with cysteine.
Molecular consequence: missense variant.
Genome position (GRCh38, 1-based): chr7:146,774,358, A>G. VCF-style: chr7-146774358-A-G. GRCh37 (hg19) VCF-style: chr7-146471450-A-G.
Other names: short protein forms Y62C.
Identifiers: ClinVar variation 1318523 (VCV001318523.2), dbSNP rs1241250071, ClinGen allele CA369922394.

ClinVar aggregate classification (germline): Uncertain significance (1 of 4 stars; one submission).

Allele frequency attached by ClinVar (database versions not stated): TOPMed below 0.00001; gnomAD exomes 0.00001.
gnomAD v4.1: 17 of 1,613,944 alleles (0.0011%); highest among the groups gnomAD compares: Non-Finnish European, 0.0014%; no homozygotes.

Submission:

GeneDx
Classification: Uncertain significance. Last evaluated: 2020-10-23. Review status: criteria provided, single submitter. Criteria: GeneDx Variant Classification Process June 2021. Collection method: clinical testing. Allele origin: germline. Affected: yes.
Comment: Not observed in large population cohorts (Lek et al., 2016); In silico analysis supports that this missense variant has a deleterious effect on protein structure/function; Has not been previously published as pathogenic or benign to our knowledge